The following is an entry in ClinVar:

NM_003995.4(NPR2):c.103A>G (p.Asn35Asp)

Gene: NPR2 (natriuretic peptide receptor 2; plus strand). Cytogenetic location: 9p13.3.
Variant type: single nucleotide variant.
Coding change: c.103A>G on transcript NM_003995.4 (MANE Select); coding-DNA position 103, A replaced by G.
Protein change: p.Asn35Asp; replaces asparagine 35 with aspartic acid.
Molecular consequence: missense variant.
Genome position (GRCh38, 1-based): chr9:35,792,511, A>G. VCF-style: chr9-35792511-A-G. GRCh37 (hg19) VCF-style: chr9-35792508-A-G.
Other names: c.103A>G, p.Asn35Asp (NM_001378923.1); short protein forms N35D.
Identifiers: ClinVar variation 4790762 (VCV004790762.1).

ClinVar aggregate classification (germline): Uncertain significance (1 of 4 stars; one submission).

Conditions:
Acromesomelic dysplasia 1, Maroteaux type (AMD1). Also called: ST. HELENA DYSPLASIA; ACROMESOMELIC DYSPLASIA 1. Identifiers: Orphanet 40, MedGen C1864356, MONDO:0011275, OMIM 602875.
Tall stature-scoliosis-macrodactyly of the great toes syndrome. Also called: Epiphyseal chondrodysplasia, miura type. Identifiers: Orphanet 329191, MedGen C4014690, MONDO:0014401, OMIM 615923.

Submission:

Labcorp Genetics (formerly Invitae), Labcorp
Classification: Uncertain significance for Tall stature-scoliosis-macrodactyly of the great toes syndrome; Acromesomelic dysplasia 1, Maroteaux type. Last evaluated: 2025-07-13. Review status: criteria provided, single submitter. Criteria: Invitae Variant Classification Sherloc (09022015). Collection method: clinical testing. Allele origin: germline.
Comment: This sequence change replaces asparagine, which is neutral and polar, with aspartic acid, which is acidic and polar, at codon 35 of the NPR2 protein (p.Asn35Asp). This variant is not present in population databases (gnomAD no frequency). This variant has not been reported in the literature in individuals affected with NPR2-related conditions. An algorithm developed to predict the effect of missense changes on protein structure and function (PolyPhen-2) suggests that this variant is likely to be tolerated. In summary, the available evidence is currently insufficient to determine the role of this variant in disease. Therefore, it has been classified as a Variant of Uncertain Significance.